The following is an entry in ClinVar:

ClinVar aggregate classification (germline): Likely benign. Review status: criteria provided, multiple submitters, no conflicts (2 of 4 stars). 4 submissions from 4 submitters: Likely benign (4). Last evaluated 2023-11-20.

Conditions:
Cardiovascular phenotype. Identifiers: MedGen CN230736.
Arrhythmogenic cardiomyopathy with wooly hair and keratoderma. Also called: Arrhythmogenic cardiomyopathy with woolly hair and keratoderma; Carvajal syndrome; Dilated cardiomyopathy with woolly hair and keratoderma; PALMOPLANTAR KERATODERMA WITH LEFT VENTRICULAR CARDIOMYOPATHY AND WOOLLY HAIR. Identifiers: Orphanet 65282, MedGen C1854063, MONDO:0011581, OMIM 605676.
Arrhythmogenic right ventricular dysplasia 8 (ARVD8). Also called: ARRHYTHMOGENIC RIGHT VENTRICULAR DYSPLASIA, FAMILIAL, 8; Arrhythmogenic Right Ventricular Dysplasia/Cardiomyopathy 8; ARRHYTHMOGENIC RIGHT VENTRICULAR CARDIOMYOPATHY 8. Identifiers: MedGen C1843896, MONDO:0011831, OMIM 607450.
Cardiomyopathy (CMYO). Also called: Cardiomyopathies. Identifiers: Orphanet 167848, MedGen C0878544, MONDO:0004994, HP:0001638. Inheritance: Various modes of inheritance.

Allele frequency attached by ClinVar (database versions not stated): gnomAD exomes 0.00001.
gnomAD v4.1: 10 of 1,614,054 alleles (0.00062%); highest among the groups gnomAD compares: Non-Finnish European, 0.00085%; no homozygotes.

Submissions (4):

All of Us Research Program, National Institutes of Health
Classification: Likely benign for Arrhythmogenic cardiomyopathy with wooly hair and keratoderma. Last evaluated: 2023-11-20. Review status: criteria provided, single submitter. Criteria: ACMG Guidelines, 2015. Collection method: clinical testing. Allele origin: germline. Inheritance: Autosomal dominant inheritance. Observed: 4 variant alleles, 4 heterozygotes.
Comment: This study involves interpretation of variants in research participants for the purpose of population health screening. Participant phenotype was not available at the time of variant classification. Additional details can be found in publication PMID: 35346344, PMCID: PMC8962531

Labcorp Genetics (formerly Invitae), Labcorp
Classification: Likely benign for Arrhythmogenic cardiomyopathy with wooly hair and keratoderma; Arrhythmogenic right ventricular dysplasia 8. Last evaluated: 2023-11-05. Review status: criteria provided, single submitter. Criteria: Invitae Variant Classification Sherloc (09022015). Collection method: clinical testing. Allele origin: germline.

Ambry Genetics
Classification: Likely benign for Cardiovascular phenotype. Last evaluated: 2022-12-14. Review status: criteria provided, single submitter. Criteria: Ambry Variant Classification Scheme 2023. Collection method: clinical testing. Allele origin: germline.

Color Diagnostics, LLC DBA Color Health
Classification: Likely benign for Cardiomyopathy. Last evaluated: 2022-11-06. Review status: criteria provided, single submitter. Criteria: ACMG Guidelines, 2015. Collection method: clinical testing. Allele origin: germline.

NM_004415.4(DSP):c.3262C>T (p.Leu1088=)

Gene: DSP (desmoplakin; plus strand). Cytogenetic location: 6p24.3.
Variant type: single nucleotide variant.
Coding change: c.3262C>T on transcript NM_004415.4 (MANE Select); coding-DNA position 3262, C replaced by T.
Protein change: p.Leu1088=; no amino-acid change (leucine 1088 retained).
Molecular consequence: synonymous variant.
Genome position (GRCh38, 1-based): chr6:7,579,452, C>T. VCF-style: chr6-7579452-C-T. GRCh37 (hg19) VCF-style: chr6-7579685-C-T.
Other names: c.3262C>T, p.Leu1088= (NM_001008844.3, NM_001319034.2).
Identifiers: ClinVar variation 2418433 (VCV002418433.13), dbSNP rs2533922793, ClinGen allele CA448714262.